The following is an entry in ClinVar:

ClinVar aggregate classification (germline): Uncertain significance (1 of 4 stars; one submission).

Conditions:
Generalized epilepsy with febrile seizures plus, type 7 (GEFSP7). Also called: GEFS+, TYPE 7. Identifiers: Orphanet 36387, MedGen C2751778, MONDO:0013470, OMIM 613863.
Neuropathy, hereditary sensory and autonomic, type 2A (HSAN2A). Also called: HSAN IIA; ACROOSTEOLYSIS, GIACCAI TYPE; ACROOSTEOLYSIS, NEUROGENIC; MORVAN DISEASE; NEUROPATHY, CONGENITAL SENSORY; NEUROPATHY, HEREDITARY SENSORY RADICULAR, AUTOSOMAL RECESSIVE. Identifiers: Orphanet 970, MedGen C2752089, MONDO:0024309, OMIM 201300.

Allele frequency attached by ClinVar (database versions not stated): gnomAD exomes below 0.00001 and 0.00001; gnomAD 0.00001.
gnomAD v4.1: 9 of 1,613,764 alleles (0.00056%); highest among the groups gnomAD compares: South Asian, 0.0011%; no homozygotes.

Submission:

Labcorp Genetics (formerly Invitae), Labcorp
Classification: Uncertain significance for Neuropathy, hereditary sensory and autonomic, type 2A; Generalized epilepsy with febrile seizures plus, type 7. Last evaluated: 2025-04-02. Review status: criteria provided, single submitter. Criteria: Invitae Variant Classification Sherloc (09022015). Collection method: clinical testing. Allele origin: germline.
Comment: This sequence change replaces asparagine, which is neutral and polar, with serine, which is neutral and polar, at codon 1917 of the SCN9A protein (p.Asn1917Ser). This variant is present in population databases (no rsID available, gnomAD 0.004%). This variant has not been reported in the literature in individuals affected with SCN9A-related conditions. ClinVar contains an entry for this variant (Variation ID: 643565). An algorithm developed to predict the effect of missense changes on protein structure and function outputs the following: PolyPhen-2: "Benign". The serine amino acid residue is found in multiple mammalian species, which suggests that this missense change does not adversely affect protein function. In summary, the available evidence is currently insufficient to determine the role of this variant in disease. Therefore, it has been classified as a Variant of Uncertain Significance.

NM_001365536.1(SCN9A):c.5783A>G (p.Asn1928Ser)

Genes: SCN1A-AS1 (SCN1A and SCN9A antisense RNA 1; plus strand), SCN9A (sodium voltage-gated channel alpha subunit 9; minus strand). Cytogenetic location: 2q24.3.
Variant type: single nucleotide variant.
Coding change: c.5783A>G on transcript NM_001365536.1 (MANE Select); coding-DNA position 5783, A replaced by G.
Protein change: p.Asn1928Ser; replaces asparagine 1928 with serine.
Molecular consequence: missense variant.
Genome position (GRCh38, 1-based): chr2:166,198,856, T>C on the plus strand (A>G on the coding strand, the complement: SCN9A is on the minus strand). VCF-style: chr2-166198856-T-C. GRCh37 (hg19) VCF-style: chr2-167055366-T-C.
Other names: c.5750A>G, p.Asn1917Ser (NM_002977.4); short protein forms N1917S, N1928S.
Identifiers: ClinVar variation 643565 (VCV000643565.6), dbSNP rs1412831204, ClinGen allele CA349051513.